The following is an entry in ClinVar:

NM_006939.4(SOS2):c.2348C>T (p.Ala783Val)

Gene: SOS2 (SOS Ras/Rho guanine nucleotide exchange factor 2; minus strand). Cytogenetic location: 14q21.3.
Variant type: single nucleotide variant.
Coding change: c.2348C>T on transcript NM_006939.4 (MANE Select); coding-DNA position 2348, C replaced by T.
Protein change: p.Ala783Val; replaces alanine 783 with valine.
Molecular consequence: missense variant.
Genome position (GRCh38, 1-based): chr14:50,150,044, G>A on the plus strand (C>T on the coding strand, the complement: SOS2 is on the minus strand). VCF-style: chr14-50150044-G-A. GRCh37 (hg19) VCF-style: chr14-50616762-G-A.
Other names: c.2249C>T, p.Ala750Val (NM_001411020.1); short protein forms A750V, A783V.
Identifiers: ClinVar variation 2015856 (VCV002015856.4), dbSNP rs2502941658, ClinGen allele CA389643654.

ClinVar aggregate classification (germline): Uncertain significance (1 of 4 stars; one submission).

Conditions:
Noonan syndrome 9 (NS9). Identifiers: Orphanet 648, MedGen C4225282, MONDO:0014691, OMIM 616559.

Submission:

Labcorp Genetics (formerly Invitae), Labcorp
Classification: Uncertain significance for Noonan syndrome 9. Last evaluated: 2022-07-11. Review status: criteria provided, single submitter. Criteria: Invitae Variant Classification Sherloc (09022015). Collection method: clinical testing. Allele origin: germline.
Comment: This variant has not been reported in the literature in individuals affected with SOS2-related conditions. In summary, the available evidence is currently insufficient to determine the role of this variant in disease. Therefore, it has been classified as a Variant of Uncertain Significance. Algorithms developed to predict the effect of sequence changes on RNA splicing suggest that this variant may create or strengthen a splice site. Advanced modeling of protein sequence and biophysical properties (such as structural, functional, and spatial information, amino acid conservation, physicochemical variation, residue mobility, and thermodynamic stability) performed at Invitae indicates that this missense variant is expected to disrupt SOS2 protein function. This variant is not present in population databases (gnomAD no frequency). This sequence change replaces alanine, which is neutral and non-polar, with valine, which is neutral and non-polar, at codon 783 of the SOS2 protein (p.Ala783Val).